The following is an entry in ClinVar:

ClinVar aggregate classification (germline): Benign/Likely benign. Review status: criteria provided, multiple submitters, no conflicts (2 of 4 stars). 6 submissions from 6 submitters: Benign (1); Likely benign (4). 1 of the submissions does not count toward it. Last evaluated 2026-01-26.

Conditions:
DNM1L-related disorder. Also called: DNM1L-related condition.

Allele frequency attached by ClinVar (database versions not stated): gnomAD exomes 0.00004 and 0.00012; ExAC 0.00016; 1000 Genomes Project 30x 0.00031; 1000 Genomes Project 0.00040; gnomAD 0.00048 and 0.00050; ESP Exome Variant Server 0.00062; TOPMed 0.00063.
gnomAD v4.1: 126 of 1,613,278 alleles (0.0078%); highest among the groups gnomAD compares: African/African-American, 0.15%; no homozygotes.

Submissions (6):

Labcorp Genetics (formerly Invitae), Labcorp
Classification: Likely benign. Last evaluated: 2026-01-26. Review status: criteria provided, single submitter. Criteria: Invitae Variant Classification Sherloc (09022015). Collection method: clinical testing. Allele origin: germline.

Blueprint Genetics
Classification: Likely benign. Last evaluated: 2024-11-13. Review status: criteria provided, single submitter. Criteria: ACMG Guidelines, 2015. Collection method: clinical testing. Allele origin: germline.

ARUP Laboratories, Molecular Genetics and Genomics, ARUP Laboratories
Classification: Benign. Last evaluated: 2024-06-28. Review status: criteria provided, single submitter. Criteria: ARUP Molecular Germline Variant Investigation Process 2024. Collection method: clinical testing. Allele origin: germline.

GeneDx
Classification: Likely benign. Last evaluated: 2020-11-10. Review status: criteria provided, single submitter. Criteria: GeneDx Variant Classification Process June 2021. Collection method: clinical testing. Allele origin: germline. Affected: yes.

Breakthrough Genomics
Classification: Likely benign. Review status: criteria provided, single submitter. Criteria: ACMG Guidelines, 2015. Collection method: not provided. Allele origin: germline. Inheritance: Autosomal recessive inheritance. Affected: yes.

PreventionGenetics, part of Exact Sciences
Classification: Likely benign for DNM1L-related condition. Last evaluated: 2020-02-14. Review status: no assertion criteria provided. Collection method: clinical testing. Allele origin: germline. Not counted in ClinVar's aggregate classification.
Comment: This variant is classified as likely benign based on ACMG/AMP sequence variant interpretation guidelines (Richards et al. 2015 PMID: 25741868, with internal and published modifications).

NM_012062.5(DNM1L):c.975C>T (p.Pro325=)

Gene: DNM1L (dynamin 1L; plus strand). Cytogenetic location: 12p11.21.
Variant type: single nucleotide variant.
Coding change: c.975C>T on transcript NM_012062.5 (MANE Select); coding-DNA position 975, C replaced by T.
Protein change: p.Pro325=; no amino-acid change (proline 325 retained).
Molecular consequence: synonymous variant.
Genome position (GRCh38, 1-based): chr12:32,722,529, C>T. VCF-style: chr12-32722529-C-T. GRCh37 (hg19) VCF-style: chr12-32875463-C-T.
Other names: c.975C>T, p.Pro325= (NM_001278463.2, NM_005690.5, NM_012063.4); c.1014C>T, p.Pro338= (NM_001278464.2, NM_001278465.2, NM_001330380.2); c.366C>T, p.Pro122= (NM_001278466.2).
Identifiers: ClinVar variation 513735 (VCV000513735.18), dbSNP rs144475762, ClinGen allele CA6507443.